The following is an entry in ClinVar:

NM_000138.5(FBN1):c.2289C>A (p.Cys763Ter)

Gene: FBN1 (fibrillin 1; minus strand). Cytogenetic location: 15q21.1.
Variant type: single nucleotide variant.
Coding change: c.2289C>A on transcript NM_000138.5 (MANE Select); coding-DNA position 2289, C replaced by A.
Protein change: p.Cys763Ter; replaces cysteine 763 with a stop codon.
Molecular consequence: nonsense.
Genome position (GRCh38, 1-based): chr15:48,497,270, G>T on the plus strand (C>A on the coding strand, the complement: FBN1 is on the minus strand). VCF-style: chr15-48497270-G-T. GRCh37 (hg19) VCF-style: chr15-48789467-G-T.
Other names: c.2289C>A, p.Cys763Ter (NM_001406716.1); short protein forms C763*.
Identifiers: ClinVar variation 2035163 (VCV002035163.4), dbSNP rs181311020, ClinGen allele CA392335583.

ClinVar aggregate classification (germline): Pathogenic (1 of 4 stars; one submission).

Conditions:
Familial thoracic aortic aneurysm and aortic dissection (TAAD). Also called: Thoracic aortic aneurysms and dissections. Identifiers: Orphanet 91387, MedGen C4707243, MONDO:0019625.
Marfan syndrome (MFS). Also called: MARFAN SYNDROME, TYPE I; Marfan syndrome type 1; Marfan's syndrome; Marfan syndrome, classic; FBN1-Related Marfan Syndrome. Identifiers: Orphanet 284963, Orphanet 558, MedGen C0024796, MONDO:0007947, OMIM 154700.

Submission:

Labcorp Genetics (formerly Invitae), Labcorp
Classification: Pathogenic for Marfan syndrome; Familial thoracic aortic aneurysm and aortic dissection. Last evaluated: 2022-11-15. Review status: criteria provided, single submitter. Criteria: Invitae Variant Classification Sherloc (09022015). Collection method: clinical testing. Allele origin: germline.
Comment: For these reasons, this variant has been classified as Pathogenic. Algorithms developed to predict the effect of sequence changes on RNA splicing suggest that this variant may create or strengthen a splice site. This variant has not been reported in the literature in individuals affected with FBN1-related conditions. This variant is not present in population databases (gnomAD no frequency). This sequence change creates a premature translational stop signal (p.Cys763*) in the FBN1 gene. It is expected to result in an absent or disrupted protein product. Loss-of-function variants in FBN1 are known to be pathogenic (PMID: 17657824, 19293843).

Literature cited by the submitters: PubMed 17657824; PubMed 19293843.